The following is an entry in ClinVar:

NM_013275.6(ANKRD11):c.5882G>A (p.Ser1961Asn)

Gene: ANKRD11 (ankyrin repeat domain containing 11; minus strand). Cytogenetic location: 16q24.3.
Variant type: single nucleotide variant.
Coding change: c.5882G>A on transcript NM_013275.6 (MANE Select); coding-DNA position 5882, G replaced by A.
Protein change: p.Ser1961Asn; replaces serine 1961 with asparagine.
Molecular consequence: missense variant.
Genome position (GRCh38, 1-based): chr16:89,280,660, C>T on the plus strand (G>A on the coding strand, the complement: ANKRD11 is on the minus strand). VCF-style: chr16-89280660-C-T. GRCh37 (hg19) VCF-style: chr16-89347068-C-T.
Other names: c.5882G>A, p.Ser1961Asn (NM_001256182.2, NM_001256183.2); short protein forms S1961N.
Identifiers: ClinVar variation 3572727 (VCV003572727.1).

ClinVar aggregate classification (germline): Uncertain significance (1 of 4 stars; one submission).

gnomAD v4.1: 1 of 1,613,440 alleles (0.000062%); highest among the groups gnomAD compares: South Asian, 0.0011%; no homozygotes.

Submission:

GeneDx
Classification: Uncertain significance. Last evaluated: 2024-07-11. Review status: criteria provided, single submitter. Criteria: GeneDx Variant Classification Process June 2021. Collection method: clinical testing. Allele origin: germline. Affected: yes.
Comment: Not observed at significant frequency in large population cohorts (gnomAD); In silico analysis indicates that this missense variant does not alter protein structure/function; Has not been previously published as pathogenic or benign to our knowledge